The following is an entry in ClinVar:

NM_206933.4(USH2A):c.6347A>G (p.His2116Arg)

Gene: USH2A (usherin; minus strand). Cytogenetic location: 1q41.
Variant type: single nucleotide variant.
Coding change: c.6347A>G on transcript NM_206933.4 (MANE Select); coding-DNA position 6347, A replaced by G.
Protein change: p.His2116Arg; replaces histidine 2116 with arginine.
Molecular consequence: missense variant.
Genome position (GRCh38, 1-based): chr1:216,000,541, T>C on the plus strand (A>G on the coding strand, the complement: USH2A is on the minus strand). VCF-style: chr1-216000541-T-C. GRCh37 (hg19) VCF-style: chr1-216173883-T-C.
Other names: short protein forms H2116R.
Identifiers: ClinVar variation 48559 (VCV000048559.53), dbSNP rs111033450, ClinGen allele CA143554.

ClinVar aggregate classification (germline): Benign/Likely benign. Review status: criteria provided, multiple submitters, no conflicts (2 of 4 stars). 8 submissions from 8 submitters: Benign (1); Likely benign (4). 3 of the submissions do not count toward it. Last evaluated 2026-07-01.

Conditions:
USH2A-related disorder. Also called: USH2A-related disorders; USH2A-related condition. Identifiers: MedGen CN239332.

Allele frequency attached by ClinVar (database versions not stated): gnomAD exomes 0.00026 and 0.00059; ExAC 0.00042; 1000 Genomes Project 30x 0.00047; 1000 Genomes Project 0.00060; gnomAD 0.00073 and 0.00076; TOPMed 0.00073; ESP Exome Variant Server 0.00100.
gnomAD v4.1: 546 of 1,613,474 alleles (0.034%); highest among the groups gnomAD compares: African/African-American, 0.15%; no homozygotes.

Submissions (8):

CeGaT Center for Human Genetics Tuebingen
Classification: Likely benign. Last evaluated: 2026-07-01. Review status: criteria provided, single submitter. Criteria: CeGaT Center For Human Genetics Tuebingen Variant Classification Criteria Version 2. Collection method: clinical testing. Allele origin: germline. Affected: yes. Observed: 2 variant alleles.
Comment: USH2A: BP4

Labcorp Genetics (formerly Invitae), Labcorp
Classification: Benign. Last evaluated: 2026-01-28. Review status: criteria provided, single submitter. Criteria: Invitae Variant Classification Sherloc (09022015). Collection method: clinical testing. Allele origin: germline.

Blueprint Genetics
Classification: Likely benign. Last evaluated: 2024-11-25. Review status: criteria provided, single submitter. Criteria: ACMG Guidelines, 2015. Collection method: clinical testing. Allele origin: germline.

GeneDx
Classification: Likely benign. Last evaluated: 2021-04-29. Review status: criteria provided, single submitter. Criteria: GeneDx Variant Classification Process June 2021. Collection method: clinical testing. Allele origin: germline. Affected: yes.
Comment: This variant is associated with the following publications: (PMID: 20507924)

Laboratory for Molecular Medicine, Mass General Brigham Personalized Medicine
Classification: Likely benign. Last evaluated: 2011-09-04. Review status: criteria provided, single submitter. Criteria: LMM Criteria. Collection method: clinical testing. Allele origin: germline. Observed: 5 variant alleles.
Comment: His2116Arg in exon 33 of USH2A: This variant has not been reported in the litera ture, but has been identified by our laboratory in one family. However, the abse nce of segregation with hearing loss in that family suggests that this variant i s more likely benign. In addition, this variant is not highly conserved across m ammals and has been identified in 0.1% of control chromosomes (rs111033450).

PreventionGenetics, part of Exact Sciences
Classification: Likely benign for USH2A-related condition. Last evaluated: 2020-01-28. Review status: no assertion criteria provided. Collection method: clinical testing. Allele origin: germline. Not counted in ClinVar's aggregate classification.
Comment: This variant is classified as likely benign based on ACMG/AMP sequence variant interpretation guidelines (Richards et al. 2015 PMID: 25741868, with internal and published modifications).

Clinical Genetics DNA and cytogenetics Diagnostics Lab, Erasmus MC, Erasmus Medical Center
Classification: Uncertain significance. Review status: no assertion criteria provided. Collection method: clinical testing. Allele origin: germline. Affected: yes. Study: VKGL Data-share Consensus. Not counted in ClinVar's aggregate classification.

Joint Genome Diagnostic Labs from Nijmegen and Maastricht, Radboudumc and MUMC+
Classification: Uncertain significance. Review status: no assertion criteria provided. Collection method: clinical testing. Allele origin: germline. Affected: yes. Study: VKGL Data-share Consensus. Not counted in ClinVar's aggregate classification.